The following is an entry in ClinVar:

NM_015570.4(AUTS2):c.2284G>A (p.Gly762Arg)

Gene: AUTS2 (activator of transcription and developmental regulator AUTS2; plus strand). Cytogenetic location: 7q11.22.
Variant type: single nucleotide variant.
Coding change: c.2284G>A on transcript NM_015570.4 (MANE Select); coding-DNA position 2284, G replaced by A.
Protein change: p.Gly762Arg; replaces glycine 762 with arginine.
Molecular consequence: missense variant.
Genome position (GRCh38, 1-based): chr7:70,786,014, G>A. VCF-style: chr7-70786014-G-A. GRCh37 (hg19) VCF-style: chr7-70251000-G-A.
Other names: c.2212G>A, p.Gly738Arg (NM_001127231.3); short protein forms G738R, G762R.
Identifiers: ClinVar variation 810098 (VCV000810098.45), dbSNP rs770211572, ClinGen allele CA160011095.

ClinVar aggregate classification (germline): Uncertain significance. Review status: criteria provided, multiple submitters, no conflicts (2 of 4 stars). 2 submissions from 2 submitters: Uncertain significance (2). Last evaluated 2024-10-22.

Allele frequency attached by ClinVar (database versions not stated): gnomAD exomes 0.00001; gnomAD 0.00002; TOPMed 0.00003.
gnomAD v4.1: 18 of 1,613,936 alleles (0.0011%); highest among the groups gnomAD compares: Admixed American, 0.0017%; no homozygotes.

Submissions (2):

Labcorp Genetics (formerly Invitae), Labcorp
Classification: Uncertain significance. Last evaluated: 2024-10-22. Review status: criteria provided, single submitter. Criteria: Invitae Variant Classification Sherloc (09022015). Collection method: clinical testing. Allele origin: germline.
Comment: This sequence change replaces glycine, which is neutral and non-polar, with arginine, which is basic and polar, at codon 762 of the AUTS2 protein (p.Gly762Arg). This variant is present in population databases (rs770211572, gnomAD 0.002%). This variant has not been reported in the literature in individuals affected with AUTS2-related conditions. ClinVar contains an entry for this variant (Variation ID: 810098). Invitae Evidence Modeling of protein sequence and biophysical properties (such as structural, functional, and spatial information, amino acid conservation, physicochemical variation, residue mobility, and thermodynamic stability) indicates that this missense variant is expected to disrupt AUTS2 protein function with a positive predictive value of 80%. In summary, the available evidence is currently insufficient to determine the role of this variant in disease. Therefore, it has been classified as a Variant of Uncertain Significance.

CeGaT Center for Human Genetics Tuebingen
Classification: Uncertain significance. Last evaluated: 2019-06-01. Review status: criteria provided, single submitter. Criteria: CeGaT Center For Human Genetics Tuebingen Variant Classification Criteria Version 2. Collection method: clinical testing. Allele origin: germline. Affected: yes. Observed: 1 variant allele.